The following is an entry in ClinVar:

ClinVar aggregate classification (germline): Uncertain significance. Review status: criteria provided, multiple submitters, no conflicts (2 of 4 stars). 2 submissions from 2 submitters: Uncertain significance (2). Last evaluated 2024-06-12.

Conditions:
Thyroid dyshormonogenesis 6 (TDH6). Also called: HYPOTHYROIDISM, CONGENITAL, DUE TO DYSHORMONOGENESIS, 6; Genetic transient congenital hypothyroidism; THYROID HORMONOGENESIS, GENETIC DEFECT IN, 6. Identifiers: Orphanet 226316, Orphanet 95716, MedGen C1846632, MONDO:0011792, OMIM 607200.

Submissions (2):

Women's Health and Genetics/Laboratory Corporation of America, LabCorp
Classification: Uncertain significance. Last evaluated: 2024-06-12. Review status: criteria provided, single submitter. Criteria: LabCorp Variant Classification Summary - May 2015. Collection method: clinical testing. Allele origin: germline.
Comment: Variant summary: DUOX2 c.4478C>G (p.Pro1493Arg) results in a non-conservative amino acid change located in the Ferric reductase, NAD binding domain (IPR013121) of the encoded protein sequence. Five of five in-silico tools predict a damaging effect of the variant on protein function. The variant allele was found at a frequency of 4e-06 in 251020 control chromosomes. The available data on variant occurrences in the general population are insufficient to allow any conclusion about variant significance. To our knowledge, no occurrence of c.4478C>G in individuals affected with Thyroid Dyshormonogenesis 6 and no experimental evidence demonstrating its impact on protein function have been reported. No submitters have cited clinical-significance assessments for this variant to ClinVar. Based on the evidence outlined above, the variant was classified as uncertain significance.

Juno Genomics, Hangzhou Juno Genomics, Inc
Classification: Uncertain significance for Thyroid dyshormonogenesis 6. Review status: criteria provided, single submitter. Criteria: ACMG Guidelines, 2015. Collection method: clinical testing. Allele origin: germline.
Comment: Absent from controls (or at extremely low frequency if recessive) in Genome Aggregation Database.;Multiple lines of computational evidence support a deleterious effect on the gene or gene product.

NM_001363711.2(DUOX2):c.4478C>G (p.Pro1493Arg)

Gene: DUOX2 (dual oxidase 2; minus strand). Cytogenetic location: 15q21.1.
Variant type: single nucleotide variant.
Coding change: c.4478C>G on transcript NM_001363711.2 (MANE Select); coding-DNA position 4478, C replaced by G.
Protein change: p.Pro1493Arg; replaces proline 1493 with arginine.
Molecular consequence: missense variant.
Genome position (GRCh38, 1-based): chr15:45,094,609, G>C on the plus strand (C>G on the coding strand, the complement: DUOX2 is on the minus strand). VCF-style: chr15-45094609-G-C. GRCh37 (hg19) VCF-style: chr15-45386807-G-C.
Other names: c.4478C>G, p.Pro1493Arg (NM_014080.5); short protein forms P1493R.
Identifiers: ClinVar variation 3339576 (VCV003339576.3).